The following is an entry in ClinVar:

NM_001006658.3(CR2):c.135C>T (p.Thr45=)

Gene: CR2 (complement C3d receptor 2; plus strand). Cytogenetic location: 1q32.2.
Variant type: single nucleotide variant.
Coding change: c.135C>T on transcript NM_001006658.3 (MANE Select); coding-DNA position 135, C replaced by T.
Protein change: p.Thr45=; no amino-acid change (threonine 45 retained).
Molecular consequence: synonymous variant.
Genome position (GRCh38, 1-based): chr1:207,466,602, C>T. VCF-style: chr1-207466602-C-T. GRCh37 (hg19) VCF-style: chr1-207639947-C-T.
Other names: c.135C>T, p.Thr45= (NM_001877.5).
Identifiers: ClinVar variation 788181 (VCV000788181.13), dbSNP rs139230710, ClinGen allele CA1368373.

ClinVar aggregate classification (germline): Likely benign. Review status: criteria provided, multiple submitters, no conflicts (2 of 4 stars). 3 submissions from 3 submitters: Likely benign (3). Last evaluated 2026-07-01.

Conditions:
Immunodeficiency, common variable, 7. Identifiers: Orphanet 1572, Orphanet 696894, MedGen C3542922, MONDO:0013862, OMIM 614699.

Allele frequency attached by ClinVar (database versions not stated): ESP Exome Variant Server 0.00008; gnomAD 0.00008 and 0.00011; TOPMed 0.00009; gnomAD exomes 0.00015 and 0.00026; 1000 Genomes Project 30x 0.00016; 1000 Genomes Project 0.00020; ExAC 0.00024.
gnomAD v4.1: 231 of 1,613,962 alleles (0.014%); highest among the groups gnomAD compares: South Asian, 0.12%; 1 homozygote.

Submissions (3):

CeGaT Center for Human Genetics Tuebingen
Classification: Likely benign. Last evaluated: 2026-07-01. Review status: criteria provided, single submitter. Criteria: CeGaT Center For Human Genetics Tuebingen Variant Classification Criteria Version 2. Collection method: clinical testing. Allele origin: germline. Affected: yes. Observed: 1 variant allele.
Comment: CR2: BP4, BP7

Labcorp Genetics (formerly Invitae), Labcorp
Classification: Likely benign for Immunodeficiency, common variable, 7. Last evaluated: 2026-02-01. Review status: criteria provided, single submitter. Criteria: Invitae Variant Classification Sherloc (09022015). Collection method: clinical testing. Allele origin: germline.

Blueprint Genetics
Classification: Likely benign. Last evaluated: 2024-06-13. Review status: criteria provided, single submitter. Criteria: ACMG Guidelines, 2015. Collection method: clinical testing. Allele origin: germline.